The following is an entry in ClinVar:

NM_001277115.2(DNAH11):c.12730G>T (p.Gly4244Trp)

Gene: DNAH11 (dynein axonemal heavy chain 11; plus strand). Cytogenetic location: 7p15.3.
Variant type: single nucleotide variant.
Coding change: c.12730G>T on transcript NM_001277115.2 (MANE Select); coding-DNA position 12730, G replaced by T.
Protein change: p.Gly4244Trp; replaces glycine 4244 with tryptophan.
Molecular consequence: missense variant.
Genome position (GRCh38, 1-based): chr7:21,892,647, G>T. VCF-style: chr7-21892647-G-T. GRCh37 (hg19) VCF-style: chr7-21932265-G-T.
Other names: short protein forms G4244W.
Identifiers: ClinVar variation 4803915 (VCV004803915.1).
Genomic context (GRCh38, chr7:21,892,647, plus strand): 5'-ACTCTCTTCAGAACTTTGCTGGAGATGCAGCCCAGGAATGCACTCAGTGGTGATGAACTG[G>T]GGCAGTCTACAGAAGAAAAGGTAGAGGGTCTTTCCTTCCTTTTCTTTTTCATTGAAGTAT-3'
Protein context (NP_001264044.1, residues 4234-4254): PRNALSGDEL[Gly4244Trp]QSTEEKVKNV

ClinVar aggregate classification (germline): Uncertain significance (1 of 4 stars; one submission).

Conditions:
Primary ciliary dyskinesia. Also called: Ciliary dyskinesia. Identifiers: Orphanet 244, MedGen C0008780, MONDO:0016575, HP:0012265.

gnomAD v4.1: 8 of 1,607,954 alleles (0.0005%); highest among the groups gnomAD compares: Non-Finnish European, 0.00059%; no homozygotes.

Submission:

Labcorp Genetics (formerly Invitae), Labcorp
Classification: Uncertain significance for Primary ciliary dyskinesia. Last evaluated: 2025-08-29. Review status: criteria provided, single submitter. Criteria: Invitae Variant Classification Sherloc (09022015). Collection method: clinical testing. Allele origin: germline.
Comment: This sequence change replaces glycine, which is neutral and non-polar, with tryptophan, which is neutral and slightly polar, at codon 4244 of the DNAH11 protein (p.Gly4244Trp). The frequency data for this variant in the population databases is considered unreliable, as metrics indicate poor data quality at this position in the gnomAD database. This variant has not been reported in the literature in individuals affected with DNAH11-related conditions. Invitae Evidence Modeling of protein sequence and biophysical properties (such as structural, functional, and spatial information, amino acid conservation, physicochemical variation, residue mobility, and thermodynamic stability) indicates that this missense variant is not expected to disrupt DNAH11 protein function with a negative predictive value of 95%. In summary, the available evidence is currently insufficient to determine the role of this variant in disease. Therefore, it has been classified as a Variant of Uncertain Significance.